The following is an entry in ClinVar:

NM_000090.4(COL3A1):c.352G>A (p.Gly118Arg)

Gene: COL3A1 (collagen type III alpha 1 chain; plus strand). Cytogenetic location: 2q32.2.
Variant type: single nucleotide variant.
Coding change: c.352G>A on transcript NM_000090.4 (MANE Select); coding-DNA position 352, G replaced by A.
Protein change: p.Gly118Arg; replaces glycine 118 with arginine.
Molecular consequence: missense variant.
Genome position (GRCh38, 1-based): chr2:188,985,683, G>A. VCF-style: chr2-188985683-G-A. GRCh37 (hg19) VCF-style: chr2-189850409-G-A.
Other names: short protein forms G118R.
Identifiers: ClinVar variation 4536390 (VCV004536390.1).

ClinVar aggregate classification (germline): Uncertain significance (1 of 4 stars; one submission).

Submission:

GeneDx
Classification: Uncertain significance. Last evaluated: 2025-06-05. Review status: criteria provided, single submitter. Criteria: GeneDx Variant Classification Process June 2021. Collection method: clinical testing. Allele origin: germline. Affected: yes.
Comment: Not observed at significant frequency in large population cohorts (gnomAD); In silico analysis supports that this missense variant has a deleterious effect on protein structure/function; Has not been previously published as pathogenic or benign to our knowledge; Not located in the triple helical region, where the majority of pathogenic missense variants occur (HGMD)